The following is an entry in ClinVar:

NM_000245.4(MET):c.2629G>C (p.Val877Leu)

Gene: MET (MET proto-oncogene, receptor tyrosine kinase; plus strand). Cytogenetic location: 7q31.2.
Variant type: single nucleotide variant.
Coding change: c.2629G>C on transcript NM_000245.4 (MANE Select); coding-DNA position 2629, G replaced by C.
Protein change: p.Val877Leu; replaces valine 877 with leucine.
Molecular consequence: missense variant.
Genome position (GRCh38, 1-based): chr7:116,769,690, G>C. VCF-style: chr7-116769690-G-C. GRCh37 (hg19) VCF-style: chr7-116409744-G-C.
Other names: c.2683G>C, p.Val895Leu (NM_001127500.3); c.2629G>C, p.Val877Leu (NM_001324401.3); c.1339G>C, p.Val447Leu (NM_001324402.2); short protein forms V447L, V877L, V895L.
Identifiers: ClinVar variation 3232946 (VCV003232946.1), dbSNP rs2116983137, ClinGen allele CA368985437.

ClinVar aggregate classification (germline): Uncertain significance (1 of 4 stars; one submission).

Conditions:
Hereditary cancer-predisposing syndrome. Also called: Neoplastic Syndromes, Hereditary; Tumor predisposition; Hereditary neoplastic syndrome; Hereditary Cancer Syndrome. Identifiers: Orphanet 140162, MedGen C0027672, MeSH D009386, MONDO:0015356.

Submission:

Ambry Genetics
Classification: Uncertain significance for Hereditary cancer-predisposing syndrome. Last evaluated: 2023-12-30. Review status: criteria provided, single submitter. Criteria: Ambry Variant Classification Scheme 2023. Collection method: clinical testing. Allele origin: germline.
Comment: The p.V895L variant (also known as c.2683G>C), located in coding exon 11 of the MET gene, results from a G to C substitution at nucleotide position 2683. The valine at codon 895 is replaced by leucine, an amino acid with highly similar properties. This amino acid position is conserved. In addition, the in silico prediction for this alteration is inconclusive. Since supporting evidence is limited at this time, the clinical significance of this alteration remains unclear.